The following is an entry in ClinVar:

NM_182706.5(SCRIB):c.1319C>T (p.Ala440Val)

Gene: SCRIB (scribble planar cell polarity protein; minus strand). Cytogenetic location: 8q24.3.
Variant type: single nucleotide variant.
Coding change: c.1319C>T on transcript NM_182706.5 (MANE Select); coding-DNA position 1319, C replaced by T.
Protein change: p.Ala440Val; replaces alanine 440 with valine.
Molecular consequence: missense variant.
Genome position (GRCh38, 1-based): chr8:143,810,771, G>A on the plus strand (C>T on the coding strand, the complement: SCRIB is on the minus strand). VCF-style: chr8-143810771-G-A. GRCh37 (hg19) VCF-style: chr8-144892941-G-A.
Other names: c.1319C>T, p.Ala440Val (NM_015356.5); short protein forms A440V.
Identifiers: ClinVar variation 3035741 (VCV003035741.2), dbSNP rs79536435, ClinGen allele CA187610921.

ClinVar aggregate classification (germline): Benign (0 of 4 stars; one submission).

Conditions:
SCRIB-related disorder. Also called: SCRIB-related condition.

Allele frequency attached by ClinVar (database versions not stated): gnomAD 0.00032; TOPMed 0.00039; ExAC 0.00066; 1000 Genomes Project 30x 0.00219; 1000 Genomes Project 0.00260.
gnomAD v4.1: 579 of 1,605,702 alleles (0.036%); highest among the groups gnomAD compares: East Asian, 1.2%; 5 homozygotes.

Submission:

PreventionGenetics, part of Exact Sciences
Classification: Benign for SCRIB-related condition. Last evaluated: 2019-08-09. Review status: no assertion criteria provided. Collection method: clinical testing. Allele origin: germline.
Comment: This variant is classified as benign based on ACMG/AMP sequence variant interpretation guidelines (Richards et al. 2015 PMID: 25741868, with internal and published modifications).